The following is an entry in ClinVar:

ClinVar aggregate classification (germline): Uncertain significance (1 of 4 stars; one submission).

Conditions:
POLD1-related polyposis and colorectal cancer syndrome (CRCS10). Also called: Colorectal cancer 10; COLORECTAL CANCER, SUSCEPTIBILITY TO, ON CHROMOSOME 19q; Colorectal cancer, susceptibility to, 10. Identifiers: Orphanet 220460, MedGen C2675481, MONDO:0012953, OMIM 612591.

Allele frequency attached by ClinVar (database versions not stated): gnomAD exomes below 0.00001.

Submission:

Labcorp Genetics (formerly Invitae), Labcorp
Classification: Uncertain significance for POLD1-related polyposis and colorectal cancer syndrome. Last evaluated: 2022-08-22. Review status: criteria provided, single submitter. Criteria: Invitae Variant Classification Sherloc (09022015). Collection method: clinical testing. Allele origin: germline.
Comment: In summary, the available evidence is currently insufficient to determine the role of this variant in disease. Therefore, it has been classified as a Variant of Uncertain Significance. This sequence change replaces cysteine, which is neutral and slightly polar, with arginine, which is basic and polar, at codon 991 of the POLD1 protein (p.Cys991Arg). This variant is not present in population databases (gnomAD no frequency). This variant has not been reported in the literature in individuals affected with POLD1-related conditions. Algorithms developed to predict the effect of missense changes on protein structure and function are either unavailable or do not agree on the potential impact of this missense change (SIFT: "Deleterious"; PolyPhen-2: "Benign"; Align-GVGD: "Class C0").

NM_002691.4(POLD1):c.2971T>C (p.Cys991Arg)

Gene: POLD1 (DNA polymerase delta 1, catalytic subunit; plus strand). Cytogenetic location: 19q13.33.
Variant type: single nucleotide variant.
Coding change: c.2971T>C on transcript NM_002691.4 (MANE Select); coding-DNA position 2971, T replaced by C.
Protein change: p.Cys991Arg; replaces cysteine 991 with arginine.
Molecular consequence: missense variant. On other transcripts: non-coding transcript variant (1).
Genome position (GRCh38, 1-based): chr19:50,416,627, T>C. VCF-style: chr19-50416627-T-C. GRCh37 (hg19) VCF-style: chr19-50919884-T-C.
Other names: c.2971T>C, p.Cys991Arg (NM_001256849.1); c.3049T>C, p.Cys1017Arg (NM_001308632.1); short protein forms C991R, C1017R.
Identifiers: ClinVar variation 1942816 (VCV001942816.5), dbSNP rs2122495777, ClinGen allele CA406986832.
Genomic context (GRCh38, chr19:50,416,627, plus strand): 5'-GCAGAGGAGATCACCGGCCCACCACCTGCCTCCTCTCCTGCAGGGGGGGACCACACGCGC[T>C]GCAAGACGGTGCTCACGGGCAAGGTGGGCGGCCTCCTGGCCTTCGCCAAACGCCGCAACT-3'
Protein context (NP_002682.2, residues 981-1001): AVLLRGDHTR[Cys991Arg]KTVLTGKVGG